The following is an entry in ClinVar:

ClinVar aggregate classification (germline): Uncertain significance (1 of 4 stars; one submission).

Conditions:
JAK2-related disorder. Also called: JAK2-related condition.

gnomAD v4.1: 4 of 1,611,310 alleles (0.00025%); highest among the groups gnomAD compares: East Asian, 0.0089%; no homozygotes.

Submission:

PreventionGenetics, part of Exact Sciences
Classification: Uncertain significance for JAK2-related condition. Last evaluated: 2026-03-09. Review status: criteria provided, single submitter. Criteria: ACMG Guidelines, 2015. Collection method: clinical testing. Allele origin: germline.
Comment: The JAK2 c.3089A>G variant is predicted to result in the amino acid substitution p.Lys1030Arg. To our knowledge, this variant has not been reported in the literature. This variant is reported in 0.022% of alleles in individuals of East Asian descent in gnomAD. At this time, the clinical significance of this variant is uncertain due to the absence of conclusive functional and genetic evidence.

NM_004972.4(JAK2):c.3089A>G (p.Lys1030Arg)

Genes: INSL6 (insulin like 6; minus strand), JAK2 (Janus kinase 2; plus strand). Cytogenetic location: 9p24.1.
Variant type: single nucleotide variant.
Coding change: c.3089A>G on transcript NM_004972.4 (MANE Select); coding-DNA position 3089, A replaced by G.
Protein change: p.Lys1030Arg; replaces lysine 1030 with arginine.
Molecular consequence: missense variant. On other transcripts: non-coding transcript variant (2).
Genome position (GRCh38, 1-based): chr9:5,123,033, A>G. VCF-style: chr9-5123033-A-G. GRCh37 (hg19) VCF-style: chr9-5123033-A-G.
Other names: c.3089A>G, p.Lys1030Arg (NM_001322194.2, NM_001322195.2, NM_001322196.2); c.1874A>G, p.Lys625Arg (NM_001322198.2, NM_001322199.2); c.2642A>G, p.Lys881Arg (NM_001322204.2); short protein forms K1030R, K625R, K881R.
Identifiers: ClinVar variation 4993707 (VCV004993707.1).